The following is an entry in ClinVar:

NM_001999.4(FBN2):c.628+4A>C

Gene: FBN2 (fibrillin 2; minus strand). Cytogenetic location: 5q23.3.
Variant type: single nucleotide variant.
Coding change: c.628+4A>C on transcript NM_001999.4 (MANE Select); 4 bases into the intron after coding-DNA position 628, A replaced by C.
Molecular consequence: intron variant.
Genome position (GRCh38, 1-based): chr5:128,519,269, T>G on the plus strand (A>C on the coding strand, the complement: FBN2 is on the minus strand). VCF-style: chr5-128519269-T-G. GRCh37 (hg19) VCF-style: chr5-127854962-T-G.
Identifiers: ClinVar variation 2772903 (VCV002772903.3), dbSNP rs2479789712, ClinGen allele CA2697546457.

ClinVar aggregate classification (germline): Uncertain significance (1 of 4 stars; one submission).

Conditions:
Congenital contractural arachnodactyly (CCA). Also called: BEALS SYNDROME; Beals-Hecht syndrome; Arthrogryposis, distal, type 9. Identifiers: Orphanet 115, MedGen C0220668, MONDO:0007363, OMIM 121050.

Submission:

Labcorp Genetics (formerly Invitae), Labcorp
Classification: Uncertain significance for Congenital contractural arachnodactyly. Last evaluated: 2023-11-28. Review status: criteria provided, single submitter. Criteria: Invitae Variant Classification Sherloc (09022015). Collection method: clinical testing. Allele origin: germline.
Comment: This sequence change falls in intron 5 of the FBN2 gene. It does not directly change the encoded amino acid sequence of the FBN2 protein. It affects a nucleotide within the consensus splice site. This variant is not present in population databases (gnomAD no frequency). This variant has not been reported in the literature in individuals affected with FBN2-related conditions. Variants that disrupt the consensus splice site are a relatively common cause of aberrant splicing (PMID: 17576681, 9536098). Algorithms developed to predict the effect of sequence changes on RNA splicing suggest that this variant is not likely to affect RNA splicing. In summary, the available evidence is currently insufficient to determine the role of this variant in disease. Therefore, it has been classified as a Variant of Uncertain Significance.

Literature cited by the submitters: PubMed 17576681; PubMed 9536098.